The following is an entry in ClinVar:

ClinVar aggregate classification (germline): Uncertain significance (1 of 4 stars; one submission).

Submission:

Labcorp Genetics (formerly Invitae), Labcorp
Classification: Uncertain significance. Last evaluated: 2019-04-30. Review status: criteria provided, single submitter. Criteria: Invitae Variant Classification Sherloc (09022015). Collection method: clinical testing. Allele origin: germline.
Comment: This sequence change replaces glutamine with arginine at codon 15 of the RARS protein (p.Gln15Arg). The glutamine residue is moderately conserved and there is a small physicochemical difference between glutamine and arginine. This variant is not present in population databases (ExAC no frequency). Algorithms developed to predict the effect of missense changes on protein structure and function (SIFT, PolyPhen-2, Align-GVGD) all suggest that this variant is likely to be tolerated, but these predictions have not been confirmed by published functional studies and their clinical significance is uncertain. Algorithms developed to predict the effect of sequence changes on RNA splicing suggest that this variant may disrupt the consensus splice site, but this prediction has not been confirmed by published transcriptional studies. In summary, the available evidence is currently insufficient to determine the role of this variant in disease. Therefore, it has been classified as a Variant of Uncertain Significance.

NM_002887.4(RARS1):c.44A>G (p.Gln15Arg)

Gene: RARS1 (arginyl-tRNA synthetase 1; plus strand). Cytogenetic location: 5q34.
Variant type: single nucleotide variant.
Coding change: c.44A>G on transcript NM_002887.4 (MANE Select); coding-DNA position 44, A replaced by G.
Protein change: p.Gln15Arg; replaces glutamine 15 with arginine.
Molecular consequence: missense variant.
Genome position (GRCh38, 1-based): chr5:168,486,542, A>G. VCF-style: chr5-168486542-A-G. GRCh37 (hg19) VCF-style: chr5-167913547-A-G.
Other names: short protein forms Q15R.
Identifiers: ClinVar variation 945034 (VCV000945034.9), dbSNP rs1757967432, ClinGen allele CA362077151.